The following is an entry in ClinVar:

ClinVar aggregate classification (germline): Benign (1 of 4 stars; one submission).

Allele frequency attached by ClinVar (database versions not stated): 1000 Genomes Project 0.00060; 1000 Genomes Project 30x 0.00062; gnomAD 0.00094; TOPMed 0.00105; gnomAD exomes 0.00110.
gnomAD v4.1: 404 of 398,472 alleles (0.1%); highest among the groups gnomAD compares: Non-Finnish European, 0.16%; no homozygotes.

Submission:

CeGaT Center for Human Genetics Tuebingen
Classification: Benign. Last evaluated: 2026-07-01. Review status: criteria provided, single submitter. Criteria: CeGaT Center For Human Genetics Tuebingen Variant Classification Criteria Version 2. Collection method: clinical testing. Allele origin: germline. Affected: yes. Observed: 14 variant alleles.
Comment: KCNQ1OT1: BS1, BS2

NM_000218.3(KCNQ1):c.1393+24554C>T

Genes: KCNQ1 (potassium voltage-gated channel subfamily Q member 1; plus strand), KCNQ1OT1 (KCNQ1 opposite strand/antisense transcript 1; minus strand). Cytogenetic location: 11p15.5.
Variant type: single nucleotide variant.
Coding change: c.1393+24554C>T on transcript NM_000218.3 (MANE Select); 24554 bases into the intron after coding-DNA position 1393, C replaced by T.
Molecular consequence: intron variant.
Genome position (GRCh38, 1-based): chr11:2,613,408, C>T. VCF-style: chr11-2613408-C-T. GRCh37 (hg19) VCF-style: chr11-2634638-C-T.
Other names: c.1123+24554C>T (NM_001406837.1); c.1297+24554C>T (NM_001406836.1); c.853+24554C>T (NM_001406838.1); c.1012+24554C>T (NM_181798.2).
Identifiers: ClinVar variation 1879157 (VCV001879157.29), dbSNP rs572105480, ClinGen allele CA216358205.
Genomic context (GRCh38, chr11:2,613,408, plus strand): 5'-CAGTATTGAAACATTAGGTTGCTGTGATGTGGGTTGCCTCCAATTATTTGCCACTGAAAT[C>T]CTTGTTGCTTAACATAGTGCATAGGGTTTTCTATGGAATTCAAAATCAGATGAGCCTTCT-3'